The following is an entry in ClinVar:

ClinVar aggregate classification (germline): Uncertain significance (1 of 4 stars; one submission).

Allele frequency attached by ClinVar (database versions not stated): gnomAD 0.00001; gnomAD exomes 0.00001; TOPMed 0.00001.
gnomAD v4.1: 10 of 1,613,944 alleles (0.00062%); highest among the groups gnomAD compares: Non-Finnish European, 0.00085%; no homozygotes.

Submission:

CeGaT Center for Human Genetics Tuebingen
Classification: Uncertain significance. Last evaluated: 2023-03-01. Review status: criteria provided, single submitter. Criteria: CeGaT Center For Human Genetics Tuebingen Variant Classification Criteria Version 2. Collection method: clinical testing. Allele origin: germline. Affected: yes. Observed: 1 variant allele.
Comment: TRIP13: PM2

NM_004237.4(TRIP13):c.1202A>G (p.Gln401Arg)

Gene: TRIP13 (thyroid hormone receptor interactor 13; plus strand). Cytogenetic location: 5p15.33.
Variant type: single nucleotide variant.
Coding change: c.1202A>G on transcript NM_004237.4 (MANE Select); coding-DNA position 1202, A replaced by G.
Protein change: p.Gln401Arg; replaces glutamine 401 with arginine.
Molecular consequence: missense variant.
Genome position (GRCh38, 1-based): chr5:915,972, A>G. VCF-style: chr5-915972-A-G. GRCh37 (hg19) VCF-style: chr5-916087-A-G.
Other names: short protein forms Q401R.
Identifiers: ClinVar variation 2498967 (VCV002498967.28), dbSNP rs1161783357, ClinGen allele CA359043779.
Genomic context (GRCh38, chr5:915,972, plus strand): 5'-AGGGCCTCAGCGGCCGGGTCCTGAGAAAACTCCCCTTTCTGGCTCATGCGCTGTATGTCC[A>G]GGTGAGTCTCCACTGCTGTCCTCCAGCACCCGCCCTGTCCACAGGTCTCAGCCTCGCCGG-3'
Protein context (NP_004228.1, residues 391-411): LPFLAHALYV[Gln401Arg]APTVTIEGFL